The following is an entry in ClinVar:

ClinVar aggregate classification (germline): Uncertain significance (1 of 4 stars; one submission).

Submission:

GeneDx
Classification: Uncertain significance. Last evaluated: 2026-04-09. Review status: criteria provided, single submitter. Criteria: GeneDx Variant Classification Process June 2021. Collection method: clinical testing. Allele origin: germline.
Comment: Not observed at significant frequency in large population cohorts (gnomAD); In silico analysis suggests that this missense variant does not alter protein structure/function; Has not been previously published as pathogenic or benign to our knowledge

NM_018489.3(ASH1L):c.8533C>A (p.Pro2845Thr)

Gene: ASH1L (ASH1 like histone lysine methyltransferase; minus strand). Cytogenetic location: 1q22.
Variant type: single nucleotide variant.
Coding change: c.8533C>A on transcript NM_018489.3 (MANE Select); coding-DNA position 8533, C replaced by A.
Protein change: p.Pro2845Thr; replaces proline 2845 with threonine.
Molecular consequence: missense variant.
Genome position (GRCh38, 1-based): chr1:155,338,359, G>T on the plus strand (C>A on the coding strand, the complement: ASH1L is on the minus strand). VCF-style: chr1-155338359-G-T. GRCh37 (hg19) VCF-style: chr1-155308150-G-T.
Other names: c.8548C>A, p.Pro2850Thr (NM_001366177.2); short protein forms P2845T, P2850T.
Identifiers: ClinVar variation 5018386 (VCV005018386.1).
Genomic context (GRCh38, chr1:155,338,359, plus strand): 5'-TGGCTAGAACCTCTTCAATCAAGGGTAGAGCATCATCCTCCTGGCCCAAGTCTTTTAGGG[G>T]TGGCTTTGAGCGCTCAGACTTCCAGGATGATCTGCCAGAAGGATATCTGAATTTAGTGTA-3'
Protein context (NP_060959.2, residues 2835-2855): SSWKSERSKP[Pro2845Thr]LKDLGQEDDA